The following is an entry in ClinVar:

NM_020812.4(DOCK6):c.3994C>T (p.Arg1332Ter)

Genes: DOCK6 (dedicator of cytokinesis 6; minus strand), DOCK6-AS1 (DOCK6 antisense RNA 1; plus strand). Cytogenetic location: 19p13.2.
Variant type: single nucleotide variant.
Coding change: c.3994C>T on transcript NM_020812.4 (MANE Select); coding-DNA position 3994, C replaced by T.
Protein change: p.Arg1332Ter; replaces arginine 1332 with a stop codon.
Molecular consequence: nonsense.
Genome position (GRCh38, 1-based): chr19:11,215,828, G>A on the plus strand (C>T on the coding strand, the complement: DOCK6 is on the minus strand). VCF-style: chr19-11215828-G-A. GRCh37 (hg19) VCF-style: chr19-11326504-G-A.
Other names: c.4099C>T, p.Arg1367Ter (NM_001367830.1); short protein forms R1367*, R1332*.
Identifiers: ClinVar variation 4695063 (VCV004695063.1).

ClinVar aggregate classification (germline): Pathogenic (1 of 4 stars; one submission).

gnomAD v4.1: 20 of 1,613,936 alleles (0.0012%); highest among the groups gnomAD compares: South Asian, 0.0033%; no homozygotes.

Submission:

Labcorp Genetics (formerly Invitae), Labcorp
Classification: Pathogenic. Last evaluated: 2025-08-03. Review status: criteria provided, single submitter. Criteria: Invitae Variant Classification Sherloc (09022015). Collection method: clinical testing. Allele origin: germline.
Comment: This sequence change creates a premature translational stop signal (p.Arg1332*) in the DOCK6 gene. It is expected to result in an absent or disrupted protein product. Loss-of-function variants in DOCK6 are known to be pathogenic (PMID: 21820096, 25824905). This variant is present in population databases (rs776952607, gnomAD 0.003%). This variant has not been reported in the literature in individuals affected with DOCK6-related conditions. For these reasons, this variant has been classified as Pathogenic.

Literature cited by the submitters: PubMed 21820096; PubMed 25824905.